The following is an entry in ClinVar:

NM_015884.4(MBTPS2):c.643G>T (p.Val215Phe)

Gene: MBTPS2 (membrane bound transcription factor peptidase, site 2; plus strand). Cytogenetic location: Xp22.12.
Variant type: single nucleotide variant.
Coding change: c.643G>T on transcript NM_015884.4 (MANE Select); coding-DNA position 643, G replaced by T.
Protein change: p.Val215Phe; replaces valine 215 with phenylalanine.
Molecular consequence: missense variant.
Genome position (GRCh38, 1-based): chrX:21,853,476, G>T. VCF-style: chrX-21853476-G-T. GRCh37 (hg19) VCF-style: chrX-21871594-G-T.
Other names: short protein forms V215F.
Identifiers: ClinVar variation 1704801 (VCV001704801.6), dbSNP rs2519562882, ClinGen allele CA412563140.
Genomic context (GRCh38, chrX:21,853,476, plus strand): 5'-ATTATTTATCCTGGAGCATTTGTTGATCTGTTCACCACTCATTTGCAACTTATATCGCCA[G>T]TCCAGCAGCTAAGGATATTTTGTGCAGGTAACAGACTTAATTTTGTTTTAATATTCATCT-3'
Protein context (NP_056968.1, residues 205-225): FTTHLQLISP[Val215Phe]QQLRIFCAGI

ClinVar aggregate classification (germline): Uncertain significance. Review status: criteria provided, multiple submitters, no conflicts (2 of 4 stars). 2 submissions from 2 submitters: Uncertain significance (2). Last evaluated 2022-03-07.

Submissions (2):

GeneDx
Classification: Uncertain significance. Last evaluated: 2022-03-07. Review status: criteria provided, single submitter. Criteria: GeneDx Variant Classification Process June 2021. Collection method: clinical testing. Allele origin: germline. Affected: yes.
Comment: Not observed at significant frequency in large population cohorts (gnomAD); In silico analysis supports that this missense variant does not alter protein structure/function; Has not been previously published as pathogenic or benign to our knowledge

Labcorp Genetics (formerly Invitae), Labcorp
Classification: Uncertain significance. Last evaluated: 2021-12-18. Review status: criteria provided, single submitter. Criteria: Invitae Variant Classification Sherloc (09022015). Collection method: clinical testing. Allele origin: germline.
Comment: In summary, the available evidence is currently insufficient to determine the role of this variant in disease. Therefore, it has been classified as a Variant of Uncertain Significance. Algorithms developed to predict the effect of missense changes on protein structure and function (SIFT, PolyPhen-2, Align-GVGD) all suggest that this variant is likely to be tolerated. This variant has not been reported in the literature in individuals affected with MBTPS2-related conditions. This variant is not present in population databases (gnomAD no frequency). This sequence change replaces valine, which is neutral and non-polar, with phenylalanine, which is neutral and non-polar, at codon 215 of the MBTPS2 protein (p.Val215Phe).